The following is an entry in ClinVar:

NM_001943.5(DSG2):c.841G>A (p.Val281Ile)

Gene: DSG2 (desmoglein 2; plus strand). Cytogenetic location: 18q12.1.
Variant type: single nucleotide variant.
Coding change: c.841G>A on transcript NM_001943.5 (MANE Select); coding-DNA position 841, G replaced by A.
Protein change: p.Val281Ile; replaces valine 281 with isoleucine.
Molecular consequence: missense variant.
Genome position (GRCh38, 1-based): chr18:31,524,715, G>A. VCF-style: chr18-31524715-G-A. GRCh37 (hg19) VCF-style: chr18-29104678-G-A.
Other names: c.841G>A (LRG_397t1); short protein forms V281I.
Identifiers: ClinVar variation 191628 (VCV000191628.3), dbSNP rs201005720, ClinGen allele CA022282.
Genomic context (GRCh38, chr18:31,524,715, plus strand): 5'-TATATTTGTATTTCATTGAAATAAAAATCATGTGTTCATGTTTTGCAGCTTGAAGGGATG[G>A]TTGAAGAAAATCAAGTCAACGTAGAAGTTACGCGCATAAAAGTGTTCGATGCAGATGAAA-3'
Protein context (NP_001934.2, residues 271-291): VVENKVLEGM[Val281Ile]EENQVNVEVT

ClinVar aggregate classification (germline): Uncertain significance. Review status: criteria provided, multiple submitters, no conflicts (2 of 4 stars). 2 submissions from 2 submitters: Uncertain significance (2). Last evaluated 2021-06-14.

Conditions:
Cardiomyopathy (CMYO). Also called: Cardiomyopathies. Identifiers: Orphanet 167848, MedGen C0878544, MONDO:0004994, HP:0001638. Inheritance: Various modes of inheritance.

Allele frequency attached by ClinVar (database versions not stated): 1000 Genomes Project 30x 0.00016; 1000 Genomes Project 0.00020; gnomAD exomes below 0.00001; ExAC 0.00001; gnomAD 0.00001.
gnomAD v4.1: 8 of 1,614,138 alleles (0.0005%); highest among the groups gnomAD compares: South Asian, 0.0066%; no homozygotes.

Submissions (2):

Color Diagnostics, LLC DBA Color Health
Classification: Uncertain significance for Cardiomyopathy. Last evaluated: 2021-06-14. Review status: criteria provided, single submitter. Criteria: ACMG Guidelines, 2015. Collection method: clinical testing. Allele origin: germline.
Comment: This missense variant replaces valine with isoleucine at codon 281 of the DSG2 protein. Computational prediction suggests that this variant may not impact protein structure and function (internally defined REVEL score threshold <= 0.5, PMID: 27666373). To our knowledge, functional studies have not been reported for this variant. This variant has not been reported in individuals affected with cardiovascular disorders in the literature. This variant has been identified in 1/249280 chromosomes in the general population by the Genome Aggregation Database (gnomAD). The available evidence is insufficient to determine the role of this variant in disease conclusively. Therefore, this variant is classified as a Variant of Uncertain Significance.

Biesecker Lab/Clinical Genomics Section, National Institutes of Health
Classification: Uncertain significance. Last evaluated: 2013-06-24. Review status: criteria provided, single submitter. Criteria: Ng et al. (Circ Cardiovasc Genet. 2013). Collection method: research. Allele origin: unknown. Observed: 1 variant allele. Study: ClinSeq.
Comment: The study set was not selected for affection status in relation to any cancer. Pathogenicity categories were based on literature curation. See Pubmed ID:23861362 for details.

Medical sequencing